The following is an entry in ClinVar:

ClinVar aggregate classification (germline): Uncertain significance. Review status: criteria provided, multiple submitters, no conflicts (2 of 4 stars). 2 submissions from 2 submitters: Uncertain significance (2). Last evaluated 2026-02-20.

Conditions:
Hereditary cancer-predisposing syndrome. Also called: Tumor predisposition; Hereditary Cancer Syndrome; Neoplastic Syndromes, Hereditary; Hereditary neoplastic syndrome. Identifiers: Orphanet 140162, MedGen C0027672, MeSH D009386, MONDO:0015356.
Hereditary breast ovarian cancer syndrome. Also called: Hereditary breast and/or ovarian cancer syndrome; Hereditary breast and ovarian cancer syndrome; Hereditary breast and ovarian cancer; Hereditary breast and ovarian cancer syndrome (HBOC); Breast and ovarian cancer; BRCA1- and BRCA2-Associated Hereditary Breast and Ovarian Cancer. Identifiers: Orphanet 145, MedGen C0677776, MeSH D061325, MONDO:0003582. Disease mechanism: loss of function.

Allele frequency attached by ClinVar (database versions not stated): gnomAD exomes below 0.00001; ExAC 0.00001.
gnomAD v4.1: 1 of 1,613,182 alleles (0.000062%); highest among the groups gnomAD compares: East Asian, 0.0022%; no homozygotes.

Submissions (2):

Ambry Genetics
Classification: Uncertain significance for Hereditary cancer-predisposing syndrome. Last evaluated: 2026-02-20. Review status: criteria provided, single submitter. Criteria: Ambry Variant Classification Scheme 2023. Collection method: clinical testing. Allele origin: germline.
Comment: The c.8632+5A>G intronic variant results from an A to G substitution 5 nucleotides after coding exon 19 in the BRCA2 gene. This nucleotide position is well conserved in available vertebrate species. In silico splice site analysis predicts that this alteration will not have any significant effect on splicing. Based on the available evidence, the clinical significance of this variant remains unclear.

Labcorp Genetics (formerly Invitae), Labcorp
Classification: Uncertain significance for Hereditary breast ovarian cancer syndrome. Last evaluated: 2023-10-22. Review status: criteria provided, single submitter. Criteria: Invitae Variant Classification Sherloc (09022015). Collection method: clinical testing. Allele origin: germline.
Comment: This sequence change falls in intron 20 of the BRCA2 gene. It does not directly change the encoded amino acid sequence of the BRCA2 protein. It affects a nucleotide within the consensus splice site. This variant is present in population databases (rs763224070, gnomAD 0.006%). This variant has been observed in individual(s) with breast and/or ovarian cancer (PMID: 32438681). ClinVar contains an entry for this variant (Variation ID: 482968). Variants that disrupt the consensus splice site are a relatively common cause of aberrant splicing (PMID: 17576681, 9536098). Algorithms developed to predict the effect of sequence changes on RNA splicing suggest that this variant is not likely to affect RNA splicing. In summary, the available evidence is currently insufficient to determine the role of this variant in disease. Therefore, it has been classified as a Variant of Uncertain Significance.

Literature cited by the submitters: PubMed 32438681 (cited by Labcorp Genetics (formerly Invitae), Labcorp); PubMed 17576681 (cited by Labcorp Genetics (formerly Invitae), Labcorp); PubMed 9536098 (cited by Labcorp Genetics (formerly Invitae), Labcorp).

NM_000059.4(BRCA2):c.8632+5A>G

Gene: BRCA2 (BRCA2 DNA repair associated; plus strand). Cytogenetic location: 13q13.1.
Variant type: single nucleotide variant.
Coding change: c.8632+5A>G on transcript NM_000059.4 (MANE Select); 5 bases into the intron after coding-DNA position 8632, A replaced by G.
Molecular consequence: intron variant.
Genome position (GRCh38, 1-based): chr13:32,371,105, A>G. VCF-style: chr13-32371105-A-G. GRCh37 (hg19) VCF-style: chr13-32945242-A-G.
Identifiers: ClinVar variation 482968 (VCV000482968.11), dbSNP rs763224070, ClinGen allele CA6941265.
Genomic context (GRCh38, chr13:32,371,105, plus strand): 5'-AAAGAGACTAGAAGCCTTATTCACTAAAATTCAGGAGGAATTTGAAGAACATGAAGGTAA[A>G]ATTAGTTATATGGTACACATTGTTATTTCTAATATGAGAACAAAGTCTTAGAGACTTTGA-3'